The following is an entry in ClinVar:

ClinVar aggregate classification (germline): Uncertain significance (1 of 4 stars; one submission).

Submission:

Labcorp Genetics (formerly Invitae), Labcorp
Classification: Uncertain significance. Last evaluated: 2022-02-05. Review status: criteria provided, single submitter. Criteria: Invitae Variant Classification Sherloc (09022015). Collection method: clinical testing. Allele origin: germline.
Comment: In summary, the available evidence is currently insufficient to determine the role of this variant in disease. Therefore, it has been classified as a Variant of Uncertain Significance. Algorithms developed to predict the effect of missense changes on protein structure and function (SIFT, PolyPhen-2, Align-GVGD) all suggest that this variant is likely to be tolerated. This variant has not been reported in the literature in individuals affected with ITGA6-related conditions. This variant is not present in population databases (gnomAD no frequency). This sequence change replaces histidine, which is basic and polar, with aspartic acid, which is acidic and polar, at codon 1049 of the ITGA6 protein (p.His1049Asp).

NM_000210.4(ITGA6):c.3145C>G (p.His1049Asp)

Genes: PDK1-AS1 (PDK1 and ITGA6 antisense RNA 1; minus strand), ITGA6 (integrin subunit alpha 6; plus strand). Cytogenetic location: 2q31.1.
Variant type: single nucleotide variant.
Coding change: c.3145C>G on transcript NM_000210.4 (MANE Select); coding-DNA position 3145, C replaced by G.
Protein change: p.His1049Asp; replaces histidine 1049 with aspartic acid.
Molecular consequence: missense variant. On other transcripts: intron variant (3).
Genome position (GRCh38, 1-based): chr2:172,501,802, C>G. VCF-style: chr2-172501802-C-G. GRCh37 (hg19) VCF-style: chr2-173366530-C-G.
Other names: c.2788C>G, p.His930Asp (NM_001316306.2); c.3100C>G, p.His1034Asp (NM_001365530.2); c.3232-2289C>G (NM_001394928.1); c.3115-2289C>G (NM_001079818.3); c.3070-2289C>G (NM_001365529.2); short protein forms H1049D, H1034D, H930D.
Identifiers: ClinVar variation 2093349 (VCV002093349.4), dbSNP rs1574422017, ClinGen allele CA349300004.